The following is an entry in ClinVar:

ClinVar aggregate classification (germline): Uncertain significance. Review status: criteria provided, multiple submitters, no conflicts (2 of 4 stars). 7 submissions from 7 submitters: Uncertain significance (7). Last evaluated 2026-07-16.

Conditions:
Cardiomyopathy (CMYO). Also called: Cardiomyopathies. Identifiers: Orphanet 167848, MedGen C0878544, MONDO:0004994, HP:0001638. Inheritance: Various modes of inheritance.
Hypertrophic cardiomyopathy. Also called: HYPERTROPHIC MYOCARDIOPATHY. Identifiers: Orphanet 217569, MedGen C0007194, MeSH D002312, MONDO:0005045, HP:0001639.
Cardiovascular phenotype. Identifiers: MedGen CN230736.
Hypertrophic cardiomyopathy 4. Also called: Familial hypertrophic cardiomyopathy 4. Identifiers: MedGen C1861862, MONDO:0007268, OMIM 115197.
Left ventricular noncompaction 10 (LVNC10). Identifiers: Orphanet 154, Orphanet 54260, MedGen C3715165, MONDO:0014163, OMIM 615396.

Allele frequency attached by ClinVar (database versions not stated): gnomAD exomes 0.00005 and 0.00001; gnomAD 0.00001; TOPMed 0.00001; ExAC 0.00007.
gnomAD v4.1: 17 of 1,576,302 alleles (0.0011%); highest among the groups gnomAD compares: Admixed American, 0.0092%; no homozygotes.

Submissions (7):

Ambry Genetics
Classification: Uncertain significance for Cardiovascular phenotype. Last evaluated: 2026-07-16. Review status: criteria provided, single submitter. Criteria: Ambry Variant Classification Scheme 2023. Collection method: clinical testing. Allele origin: germline.
Comment: The p.R972Q variant (also known as c.2915G>A), located in coding exon 28 of the MYBPC3 gene, results from a G to A substitution at nucleotide position 2915. The arginine at codon 972 is replaced by glutamine, an amino acid with highly similar properties. This variant was reported in individual(s) with features consistent with hypertrophic cardiomyopathy (Mazzarotto F et al. Genet Med, 2019 Feb;21:284-292; Helms AS et al. Circ Genom Precis Med, 2020 Oct;13:396-405; Pua CJ et al. Circ Genom Precis Med, 2020 Oct;13:424-434). This amino acid position is not well conserved in available vertebrate species. In addition, this alteration is predicted to be tolerated by in silico analysis. Based on the available evidence, the clinical significance of this variant remains unclear.

Labcorp Genetics (formerly Invitae), Labcorp
Classification: Uncertain significance for Hypertrophic cardiomyopathy. Last evaluated: 2025-11-09. Review status: criteria provided, single submitter. Criteria: Invitae Variant Classification Sherloc (09022015). Collection method: clinical testing. Allele origin: germline.
Comment: This sequence change replaces arginine, which is basic and polar, with glutamine, which is neutral and polar, at codon 972 of the MYBPC3 protein (p.Arg972Gln). This variant is present in population databases (rs761696555, gnomAD 0.01%). This missense change has been observed in individual(s) with hypertrophic cardiomyopathy (PMID: 29875424, 32815737, 32841044, 33782553). ClinVar contains an entry for this variant (Variation ID: 925428). An algorithm developed to predict the effect of missense changes on protein structure and function (PolyPhen-2) suggests that this variant is likely to be tolerated. In summary, the available evidence is currently insufficient to determine the role of this variant in disease. Therefore, it has been classified as a Variant of Uncertain Significance.

GeneDx
Classification: Uncertain significance. Last evaluated: 2023-09-26. Review status: criteria provided, single submitter. Criteria: GeneDx Variant Classification Process June 2021. Collection method: clinical testing. Allele origin: germline. Affected: yes.
Comment: In silico analysis supports that this missense variant does not alter protein structure/function; This variant is associated with the following publications: (PMID: 29875424, 35629155, 22958901, 33782553, 32815737)

All of Us Research Program, National Institutes of Health
Classification: Uncertain significance for Hypertrophic cardiomyopathy. Last evaluated: 2023-07-22. Review status: criteria provided, single submitter. Criteria: ACMG Guidelines, 2015. Collection method: clinical testing. Allele origin: germline. Inheritance: Autosomal dominant inheritance. Observed: 2 variant alleles, 2 heterozygotes.
Comment: This missense variant replaces arginine with glutamine at codon 972 of the MYBPC3 protein. Computational prediction suggests that this variant may not impact protein structure and function (internally defined REVEL score threshold <= 0.5, PMID: 27666373). To our knowledge, functional studies have not been reported for this variant. This variant has not been reported in individuals affected with cardiovascular disorders in the literature. This variant has been identified in 9/185428 chromosomes in the general population by the Genome Aggregation Database (gnomAD). The available evidence is insufficient to determine the role of this variant in disease conclusively. Therefore, this variant is classified as a Variant of Uncertain Significance.

This study involves interpretation of variants in research participants for the purpose of population health screening. Participant phenotype was not available at the time of variant classification. Additional details can be found in publication PMID: 35346344, PMCID: PMC8962531

Women's Health and Genetics/Laboratory Corporation of America, LabCorp
Classification: Uncertain significance. Last evaluated: 2023-03-27. Review status: criteria provided, single submitter. Criteria: LabCorp Variant Classification Summary - May 2015. Collection method: clinical testing. Allele origin: germline.
Comment: Variant summary: MYBPC3 c.2915G>A (p.Arg972Gln) results in a conservative amino acid change located in the Immunoglobulin-like domain (IPR007110) of the encoded protein sequence. Two of four in-silico tools predict a benign effect of the variant on protein function. The variant allele was found at a frequency of 4.9e-05 in 185428 control chromosomes (gnomAD). The available data on variant occurrences in the general population are insufficient to allow any conclusion about variant significance. c.2915G>A has been reported in the literature in individuals affected with Cardiomyopathy (Mazzarotto_2019, Pua_2020, Thompson_2021, Kurzlechner_2022). These reports do not provide unequivocal conclusions about association of the variant with Cardiomyopathy. Co-occurrences with pathogenic variants have been reported (MYH7 c.2710C>T, p.Arg904Cys; MYBPC3 c.1504C>T, p.Arg502Trp) (Kurzlechner_2022 and Internal testing). To our knowledge, no experimental evidence demonstrating an impact on protein function has been reported. Three clinical diagnostic laboratories have submitted clinical-significance assessments for this variant to ClinVar after 2014 and classified the variant as uncertain significance. Based on the evidence outlined above, the variant was classified as uncertain significance.

Color Diagnostics, LLC DBA Color Health
Classification: Uncertain significance for Cardiomyopathy. Last evaluated: 2023-02-09. Review status: criteria provided, single submitter. Criteria: ACMG Guidelines, 2015. Collection method: clinical testing. Allele origin: germline.
Comment: This missense variant replaces arginine with glutamine at codon 972 of the MYBPC3 protein. Computational prediction suggests that this variant may not impact protein structure and function (internally defined REVEL score threshold <= 0.5, PMID: 27666373). To our knowledge, functional studies have not been reported for this variant. This variant has been reported in an individual affected with hypertrophic cardiomyopathy (PMID: 32841044). This variant has been identified in 9/185428 chromosomes in the general population by the Genome Aggregation Database (gnomAD). The available evidence is insufficient to determine the role of this variant in disease conclusively. Therefore, this variant is classified as a Variant of Uncertain Significance.

Center for Genomics, Ann and Robert H. Lurie Children's Hospital of Chicago
Classification: Uncertain significance for Hypertrophic cardiomyopathy 4; Left ventricular noncompaction 10. Review status: criteria provided, single submitter. Criteria: ACMG Guidelines, 2015. Collection method: clinical testing. Allele origin: germline.
Comment: MYBPC3 NM_000256.3 exon 27 p.Arg972Gln (c.2915G>A): This variant has not been reported in the literature but is present in 3/26910 Latino alleles in the Genome Aggregation Database. Evolutionary conservation and computational predictive tools for this variant are unclear. In summary, data on this variant is insufficient for disease classification. Therefore, the clinical significance of this variant is uncertain.

Literature cited by the submitters: PubMed 22958901 (cited by Ambry Genetics and Women's Health and Genetics/Laboratory Corporation of America, LabCorp); PubMed 29875424 (cited by 3 submitters); PubMed 32815737 (cited by 3 submitters); PubMed 32841044 (cited by 3 submitters); PubMed 33782553 (cited by Labcorp Genetics (formerly Invitae), Labcorp and Women's Health and Genetics/Laboratory Corporation of America, LabCorp); PubMed 35629155 (cited by Women's Health and Genetics/Laboratory Corporation of America, LabCorp).

NM_000256.3(MYBPC3):c.2915G>A (p.Arg972Gln)

Gene: MYBPC3 (myosin binding protein C3; minus strand). Cytogenetic location: 11p11.2.
Variant type: single nucleotide variant.
Coding change: c.2915G>A on transcript NM_000256.3 (MANE Select); coding-DNA position 2915, G replaced by A.
Protein change: p.Arg972Gln; replaces arginine 972 with glutamine.
Molecular consequence: missense variant.
Genome position (GRCh38, 1-based): chr11:47,334,001, C>T on the plus strand (G>A on the coding strand, the complement: MYBPC3 is on the minus strand). VCF-style: chr11-47334001-C-T. GRCh37 (hg19) VCF-style: chr11-47355552-C-T.
Other names: short protein forms R972Q.
Identifiers: ClinVar variation 925428 (VCV000925428.19), dbSNP rs761696555, ClinGen allele CA079036.